The following is an entry in ClinVar:

ClinVar aggregate classification (germline): Uncertain significance (1 of 4 stars; one submission).

gnomAD v4.1: 1 of 1,613,556 alleles (0.000062%); no homozygotes.

Submission:

Labcorp Genetics (formerly Invitae), Labcorp
Classification: Uncertain significance. Last evaluated: 2024-10-08. Review status: criteria provided, single submitter. Criteria: Invitae Variant Classification Sherloc (09022015). Collection method: clinical testing. Allele origin: germline.
Comment: This sequence change replaces alanine, which is neutral and non-polar, with threonine, which is neutral and polar, at codon 729 of the OPA1 protein (p.Ala729Thr). This variant is not present in population databases (gnomAD no frequency). This variant has not been reported in the literature in individuals affected with OPA1-related conditions. ClinVar contains an entry for this variant (Variation ID: 1011938). Invitae Evidence Modeling of protein sequence and biophysical properties (such as structural, functional, and spatial information, amino acid conservation, physicochemical variation, residue mobility, and thermodynamic stability) indicates that this missense variant is not expected to disrupt OPA1 protein function with a negative predictive value of 80%. In summary, the available evidence is currently insufficient to determine the role of this variant in disease. Therefore, it has been classified as a Variant of Uncertain Significance.

NM_130837.3(OPA1):c.2350G>A (p.Ala784Thr)

Gene: OPA1 (OPA1 mitochondrial dynamin like GTPase; plus strand). Cytogenetic location: 3q29.
Variant type: single nucleotide variant.
Coding change: c.2350G>A on transcript NM_130837.3 (MANE Select); coding-DNA position 2350, G replaced by A.
Protein change: p.Ala784Thr; replaces alanine 784 with threonine.
Molecular consequence: missense variant.
Genome position (GRCh38, 1-based): chr3:193,658,905, G>A. VCF-style: chr3-193658905-G-A. GRCh37 (hg19) VCF-style: chr3-193376694-G-A.
Other names: c.1816G>A, p.Ala606Thr (NM_001354663.2); c.1813G>A, p.Ala605Thr (NM_001354664.2); c.2185G>A, p.Ala729Thr (NM_015560.3); c.2077G>A, p.Ala693Thr (NM_130831.3); c.2131G>A, p.Ala711Thr (NM_130832.3); c.2188G>A, p.Ala730Thr (NM_130833.3); c.2239G>A, p.Ala747Thr (NM_130834.3); c.2242G>A, p.Ala748Thr (NM_130835.3); and 1 more; short protein forms A605T, A606T, A693T, A711T, A729T, A730T, A747T, A748T.
Identifiers: ClinVar variation 1011938 (VCV001011938.5), dbSNP rs1714562883, ClinGen allele CA355791768.
Genomic context (GRCh38, chr3:193,658,905, plus strand): 5'-GATGTAAAACAAGTTGGCTTTTTCTCTTCTTGTTATTTTCAGAGGGTTATTCAACACAAT[G>A]CTTTGGAAGACCGATCCATATCTGATAAACAGCAATGGGATGCAGCTATTTATTTTATGG-3'
Protein context (NP_570850.2, residues 774-794): EDSLRVIQHN[Ala784Thr]LEDRSISDKQ